The following is an entry in ClinVar:

NM_133259.4(LRPPRC):c.242A>G (p.Asn81Ser)

Gene: LRPPRC (leucine rich pentatricopeptide repeat containing; minus strand). Cytogenetic location: 2p21.
Variant type: single nucleotide variant.
Coding change: c.242A>G on transcript NM_133259.4 (MANE Select); coding-DNA position 242, A replaced by G.
Protein change: p.Asn81Ser; replaces asparagine 81 with serine.
Molecular consequence: missense variant.
Genome position (GRCh38, 1-based): chr2:43,982,342, T>C on the plus strand (A>G on the coding strand, the complement: LRPPRC is on the minus strand). VCF-style: chr2-43982342-T-C. GRCh37 (hg19) VCF-style: chr2-44209481-T-C.
Other names: p.N81S:AAT>AGT; short protein forms N81S.
Identifiers: ClinVar variation 214581 (VCV000214581.20), dbSNP rs748138102, ClinGen allele CA321392.
Genomic context (GRCh38, chr2:43,982,342, plus strand): 5'-GGAATGCGGCCAGTTCTTCGAACAGAAAGATCTAGTCTCATTAGAGCCCAATCAAACTGA[T>C]TGGAAATCTTCCTAGAAGAAAAAGTGGACTCCTCTTGAATATCTTTTTCTTTGGCAGCAA-3'
Protein context (NP_573566.2, residues 71-91): ESTFSSRKIS[Asn81Ser]QFDWALMRLD

ClinVar aggregate classification (germline): Conflicting classifications of pathogenicity. Review status: criteria provided, conflicting classifications (1 of 4 stars). 4 submissions from 4 submitters: Uncertain significance (2); Likely benign (2). Last evaluated 2024-09-16.

Allele frequency attached by ClinVar (database versions not stated): gnomAD exomes 0.00008 and 0.00016; gnomAD 0.00011 and 0.00013; TOPMed 0.00014; ExAC 0.00017; 1000 Genomes Project 30x 0.00047.
gnomAD v4.1: 146 of 1,613,676 alleles (0.009%); highest among the groups gnomAD compares: South Asian, 0.091%; no homozygotes.

Submissions (4):

Blueprint Genetics
Classification: Likely benign. Last evaluated: 2024-09-16. Review status: criteria provided, single submitter. Criteria: ACMG Guidelines, 2015. Collection method: clinical testing. Allele origin: germline.

CeGaT Center for Human Genetics Tuebingen
Classification: Uncertain significance. Last evaluated: 2024-08-01. Review status: criteria provided, single submitter. Criteria: CeGaT Center For Human Genetics Tuebingen Variant Classification Criteria Version 2. Collection method: clinical testing. Allele origin: germline. Affected: yes. Observed: 1 variant allele.
Comment: LRPPRC: PM2, BP4

Labcorp Genetics (formerly Invitae), Labcorp
Classification: Uncertain significance. Last evaluated: 2022-01-28. Review status: criteria provided, single submitter. Criteria: Invitae Variant Classification Sherloc (09022015). Collection method: clinical testing. Allele origin: germline.
Comment: This sequence change replaces asparagine, which is neutral and polar, with serine, which is neutral and polar, at codon 81 of the LRPPRC protein (p.Asn81Ser). This variant is present in population databases (rs748138102, gnomAD 0.08%). This variant has not been reported in the literature in individuals affected with LRPPRC-related conditions. ClinVar contains an entry for this variant (Variation ID: 214581). Algorithms developed to predict the effect of missense changes on protein structure and function output the following: SIFT: "Tolerated"; PolyPhen-2: "Benign"; Align-GVGD: "Class C0". The serine amino acid residue is found in multiple mammalian species, which suggests that this missense change does not adversely affect protein function. Algorithms developed to predict the effect of sequence changes on RNA splicing suggest that this variant may create or strengthen a splice site. In summary, the available evidence is currently insufficient to determine the role of this variant in disease. Therefore, it has been classified as a Variant of Uncertain Significance.

GeneDx
Classification: Likely benign. Last evaluated: 2012-08-25. Review status: criteria provided, single submitter. Criteria: GeneDx Variant Classification (06012015). Collection method: clinical testing. Allele origin: germline. Affected: yes.
Comment: This variant is considered likely benign or benign based on one or more of the following criteria: it is a conservative change, it occurs at a poorly conserved position in the protein, it is predicted to be benign by multiple in silico algorithms, and/or has population frequency not consistent with disease.